The following is an entry in ClinVar:

ClinVar aggregate classification (germline): Uncertain significance. Review status: criteria provided, multiple submitters, no conflicts (2 of 4 stars). 8 submissions from 8 submitters: Uncertain significance (8). Last evaluated 2026-03-02.

Conditions:
Familial spontaneous pneumothorax (PSP). Identifiers: Orphanet 2903, MedGen C1868193, MONDO:0008259, OMIM 173600.
Birt-Hogg-Dube syndrome. Also called: Birt Hogg Dubé syndrome. Identifiers: Orphanet 122, MedGen C0346010, MONDO:0800444.
Colorectal cancer. Also called: Malignant Colorectal Neoplasm; Colorectal cancer, somatic. Identifiers: MedGen C0346629, MONDO:0005575, OMIM 114500.
Nonpapillary renal cell carcinoma. Identifiers: Orphanet 422526, MedGen CN074294, MONDO:0007763, OMIM 144700.
17p11.2 microduplication syndrome (PTLS). Also called: CHROMOSOME 17p11.2 DUPLICATION SYNDROME; Potocki-Lupski syndrome; Duplication 17p11.2 syndrome; Potocki-Lupski syndrome (dup(17)(p11.2p11.2)). Identifiers: Orphanet 1713, MedGen C2931246, MONDO:0012574, OMIM 610883.
Hereditary cancer-predisposing syndrome. Also called: Hereditary Cancer Syndrome; Tumor predisposition; Hereditary neoplastic syndrome; Neoplastic Syndromes, Hereditary. Identifiers: Orphanet 140162, MedGen C0027672, MeSH D009386, MONDO:0015356.

Allele frequency attached by ClinVar (database versions not stated): TOPMed 0.00002; ExAC 0.00001; gnomAD exomes 0.00001; gnomAD 0.00001.
gnomAD v4.1: 13 of 1,611,680 alleles (0.00081%); highest among the groups gnomAD compares: South Asian, 0.0011%; no homozygotes.

Submissions (8):

Dasa
Classification: Uncertain significance. Last evaluated: 2026-03-02. Review status: criteria provided, single submitter. Criteria: DASA Assertion Criteria. Collection method: clinical testing. Allele origin: germline.
Comment: NM_144997.7(FLCN):c.833C>T (p.Pro278Leu) is a missense variant that results in the substitution of proline with leucine. This variant is rare in population databases. The currently available literature and clinical evidence are not sufficient to establish a definitive association between this variant and the reported condition. Therefore, this variant is classified as a variant of uncertain significance.

Labcorp Genetics (formerly Invitae), Labcorp
Classification: Uncertain significance for Birt-Hogg-Dube syndrome. Last evaluated: 2025-12-09. Review status: criteria provided, single submitter. Criteria: Invitae Variant Classification Sherloc (09022015). Collection method: clinical testing. Allele origin: germline.
Comment: This sequence change replaces proline, which is neutral and non-polar, with leucine, which is neutral and non-polar, at codon 278 of the FLCN protein (p.Pro278Leu). This variant is present in population databases (rs748031634, gnomAD 0.002%). This variant has not been reported in the literature in individuals affected with FLCN-related conditions. ClinVar contains an entry for this variant (Variation ID: 225284). Invitae Evidence Modeling of protein sequence and biophysical properties (such as structural, functional, and spatial information, amino acid conservation, physicochemical variation, residue mobility, and thermodynamic stability) indicates that this missense variant is not expected to disrupt FLCN protein function with a negative predictive value of 80%. In summary, the available evidence is currently insufficient to determine the role of this variant in disease. Therefore, it has been classified as a Variant of Uncertain Significance.

Ambry Genetics
Classification: Uncertain significance for Hereditary cancer-predisposing syndrome. Last evaluated: 2024-12-16. Review status: criteria provided, single submitter. Criteria: Ambry Variant Classification Scheme 2023. Collection method: clinical testing. Allele origin: germline.

Baylor Genetics
Classification: Uncertain significance for Birt-Hogg-Dube syndrome 1. Last evaluated: 2023-09-21. Review status: criteria provided, single submitter. Criteria: ACMG Guidelines, 2015. Collection method: clinical testing. Allele origin: unknown.

GeneDx
Classification: Uncertain significance. Last evaluated: 2023-02-09. Review status: criteria provided, single submitter. Criteria: GeneDx Variant Classification Process June 2021. Collection method: clinical testing. Allele origin: germline. Affected: yes.
Comment: Not observed at significant frequency in large population cohorts (gnomAD); In silico analysis supports that this missense variant has a deleterious effect on protein structure/function; Has not been previously published as pathogenic or benign to our knowledge

Laboratorio de Genetica e Diagnostico Molecular, Hospital Israelita Albert Einstein
Classification: Uncertain significance for Birt-Hogg-Dube syndrome 1. Last evaluated: 2022-07-07. Review status: criteria provided, single submitter. Criteria: ACMG Guidelines, 2015. Collection method: clinical testing. Allele origin: germline. Affected: yes. Observed: 1 variant allele.
Comment: ACMG classification criteria: PM2 moderated

Fulgent Genetics
Classification: Uncertain significance for Colorectal cancer; Birt-Hogg-Dube syndrome 1; Nonpapillary renal cell carcinoma; Familial spontaneous pneumothorax; 17p11.2 microduplication syndrome. Last evaluated: 2022-02-01. Review status: criteria provided, single submitter. Criteria: ACMG Guidelines, 2015. Collection method: clinical testing. Allele origin: unknown.

CSER _CC_NCGL, University of Washington
Classification: Uncertain significance for Birt-Hogg-Dube syndrome 1. Last evaluated: 2015-12-01. Review status: criteria provided, single submitter. Criteria: Amendola et al. (Genome Res. 2015). Collection method: research. Allele origin: germline. Inheritance: Autosomal dominant inheritance. Study: CSER - NEXT Medicine variant annotation.
Comment: .GERP=6.080.ExAC Alt Allele Frequencies=AFR:0.0%,NFE:0.0015%,EAS:0.0%,SAS:0.0%,FIN:0.0%,AMR:0.0%,OTH:0.0%.

NM_144997.7(FLCN):c.833C>T (p.Pro278Leu)

Gene: FLCN (folliculin; minus strand). Cytogenetic location: 17p11.2.
Variant type: single nucleotide variant.
Coding change: c.833C>T on transcript NM_144997.7 (MANE Select); coding-DNA position 833, C replaced by T.
Protein change: p.Pro278Leu; replaces proline 278 with leucine.
Molecular consequence: missense variant.
Genome position (GRCh38, 1-based): chr17:17,221,575, G>A on the plus strand (C>T on the coding strand, the complement: FLCN is on the minus strand). VCF-style: chr17-17221575-G-A. GRCh37 (hg19) VCF-style: chr17-17124889-G-A.
Other names: c.887C>T, p.Pro296Leu (NM_001353229.2); c.833C>T, p.Pro278Leu (NM_001353230.2, NM_001353231.2, NM_144606.7); c.833C>T (LRG_325t1); short protein forms P278L, P296L.
Identifiers: ClinVar variation 225284 (VCV000225284.18), dbSNP rs748031634, ClinGen allele CA358318.